The following is an entry in ClinVar:

ClinVar aggregate classification (germline): Pathogenic/Likely pathogenic. Review status: criteria provided, multiple submitters, no conflicts (2 of 4 stars). 2 submissions from 2 submitters: Pathogenic (1); Likely pathogenic (1). Last evaluated 2022-03-18.

Conditions:
Severe myoclonic epilepsy in infancy (DRVT). Also called: Epileptic encephalopathy, early infantile, 6 (Dravet syndrome); SEVERE MYOCLONIC EPILEPSY OF INFANCY; Dravet syndrome; DEVELOPMENTAL AND EPILEPTIC ENCEPHALOPATHY 6A; Severe Myoclonic Epilepsy in Infancy (SMEI). Identifiers: Orphanet 33069, MedGen C0751122, MONDO:0100135, OMIM 607208.

Submissions (2):

Baylor Genetics
Classification: Likely pathogenic for Severe myoclonic epilepsy in infancy. Last evaluated: 2022-03-18. Review status: criteria provided, single submitter. Criteria: ACMG Guidelines, 2015. Collection method: clinical testing. Allele origin: unknown.

GeneDx
Classification: Pathogenic. Last evaluated: 2016-09-19. Review status: criteria provided, single submitter. Criteria: GeneDx Variant Classification (06012015). Collection method: clinical testing. Allele origin: germline. Affected: yes.
Comment: The c.1028+1delG splice site variant in the SCN1A gene destroys the canonical splice donor site in intron 7. It is predicted to cause abnormal gene splicing, either leading to an abnormal message that is subject to nonsense-mediated mRNA decay, or to an abnormal protein product if the message is used for protein translation. Although this pathogenic variant has not been previously reported to our knowledge, its presence is consistent with a diagnosis of an SCN1A-related disorder

NM_001165963.4(SCN1A):c.1028+1del

Gene: SCN1A (sodium voltage-gated channel alpha subunit 1; minus strand). Cytogenetic location: 2q24.3.
Variant type: Deletion.
Coding change: c.1028+1del on transcript NM_001165963.4 (MANE Select); the canonical splice donor site of the intron after coding-DNA position 1028, one base deleted (G; older notation c.1028+1delG).
Molecular consequence: splice donor variant.
Genome position (GRCh38, 1-based): chr2:166,048,885, C deleted on the plus strand (G on the coding strand, the reverse complement: SCN1A is on the minus strand); the first of 3 consecutive C bases (chr2:166,048,885-166,048,887); deleting any one gives the same sequence. VCF-style (leftmost placement, unchanged base first): chr2-166048884-AC-A. GRCh37 (hg19) VCF-style: chr2-166905394-AC-A.
Other names: c.1028+1delG (NM_001165963.1); c.1028+1del (NM_001353949.2, NM_001353958.2, NM_001353950.2 and 10 more transcripts); c.-1398+1del (NM_001353961.2).
Identifiers: ClinVar variation 280846 (VCV000280846.3), dbSNP rs886041980, ClinGen allele CA10602818.